The following is an entry in ClinVar:

ClinVar aggregate classification (germline): Likely benign. Review status: criteria provided, multiple submitters, no conflicts (2 of 4 stars). 2 submissions from 2 submitters: Likely benign (2). Last evaluated 2025-03-19.

Conditions:
SCAPER-related disorder. Also called: SCAPER-related condition.

Allele frequency attached by ClinVar (database versions not stated): gnomAD 0.00003 and 0.00004; TOPMed 0.00003; ExAC 0.00005; 1000 Genomes Project 0.00020; 1000 Genomes Project 30x 0.00031.
gnomAD v4.1: 17 of 1,607,402 alleles (0.0011%); highest among the groups gnomAD compares: Middle Eastern, 0.017%; no homozygotes.

Submissions (2):

PreventionGenetics, part of Exact Sciences
Classification: Likely benign for SCAPER-related condition. Last evaluated: 2025-03-19. Review status: criteria provided, single submitter. Criteria: ACMG Guidelines, 2015. Collection method: clinical testing. Allele origin: germline.
Comment: This variant is classified as likely benign based on ACMG/AMP sequence variant interpretation guidelines (Richards et al. 2015 PMID: 25741868, with internal and published modifications).

Labcorp Genetics (formerly Invitae), Labcorp
Classification: Likely benign. Last evaluated: 2019-12-31. Review status: criteria provided, single submitter. Criteria: Invitae Variant Classification Sherloc (09022015). Collection method: clinical testing. Allele origin: germline.

NM_020843.4(SCAPER):c.3966C>T (p.Ile1322=)

Gene: SCAPER (S-phase cyclin A associated protein in the ER; minus strand). Cytogenetic location: 15q24.3.
Variant type: single nucleotide variant.
Coding change: c.3966C>T on transcript NM_020843.4 (MANE Select); coding-DNA position 3966, C replaced by T.
Protein change: p.Ile1322=; no amino-acid change (isoleucine 1322 retained).
Molecular consequence: synonymous variant. On other transcripts: non-coding transcript variant (1).
Genome position (GRCh38, 1-based): chr15:76,354,030, G>A on the plus strand (C>T on the coding strand, the complement: SCAPER is on the minus strand). VCF-style: chr15-76354030-G-A. GRCh37 (hg19) VCF-style: chr15-76646371-G-A.
Other names: c.3228C>T, p.Ile1076= (NM_001145923.2); c.3984C>T, p.Ile1328= (NM_001353009.2); c.3564C>T, p.Ile1188= (NM_001353010.2, NM_001353012.2); c.3582C>T, p.Ile1194= (NM_001353011.2); c.3984C>T (NM_001353009.1).
Identifiers: ClinVar variation 796255 (VCV000796255.5), dbSNP rs187434753, ClinGen allele CA7674311.
Genomic context (GRCh38, chr15:76,354,030, plus strand): 5'-AACACAGCTCATCTCTTGCTCCAGAATGATCTTGTTCTGATGGTTGTTGTAACAAGCAGC[G>A]ATAAGTGAAGGGAACAGTACTTTGATCAGCCGTGGGTCACTGAAATACTGGAAGGGCAAC-3'
Protein context (NP_065894.2, residues 1312-1332): RLIKVLFPSL[Ile1322=]AACYNNHQNK